The following is an entry in ClinVar:

ClinVar aggregate classification (germline): Uncertain significance. Review status: criteria provided, multiple submitters, no conflicts (2 of 4 stars). 3 submissions from 3 submitters: Uncertain significance (2). 1 of the submissions does not count toward it. Last evaluated 2024-01-31.

Conditions:
Polycystic kidney disease 4 (PKD4). Also called: Autosomal Recessive Polycystic Kidney Disease – PKHD1; POLYCYSTIC KIDNEY DISEASE 4 WITH OR WITHOUT POLYCYSTIC LIVER DISEASE; POLYCYSTIC KIDNEY AND HEPATIC DISEASE 1; POLYCYSTIC KIDNEY DISEASE, INFANTILE, TYPE I; PKD3. Identifiers: MedGen C4540575, MONDO:0033004, OMIM 263200.
Autosomal recessive polycystic kidney disease (ARPKD). Also called: AR polycystic kidney disease. Identifiers: Orphanet 731, Orphanet 8378, MedGen C0085548, MeSH D017044, MONDO:0009889.

Allele frequency attached by ClinVar (database versions not stated): gnomAD exomes below 0.00001.
gnomAD v4.1: 2 of 1,613,316 alleles (0.00012%); highest among the groups gnomAD compares: Middle Eastern, 0.017%; no homozygotes.

Submissions (3):

Fulgent Genetics
Classification: Uncertain significance for Polycystic kidney disease 4. Last evaluated: 2024-01-31. Review status: criteria provided, single submitter. Criteria: ACMG Guidelines, 2015. Collection method: clinical testing. Allele origin: germline.

Labcorp Genetics (formerly Invitae), Labcorp
Classification: Uncertain significance for Autosomal recessive polycystic kidney disease. Last evaluated: 2018-05-10. Review status: criteria provided, single submitter. Criteria: Invitae Variant Classification Sherloc (09022015). Collection method: clinical testing. Allele origin: germline.
Comment: This variant has not been reported in the literature in individuals with PKHD1-related disease. In summary, the available evidence is currently insufficient to determine the role of this variant in disease. Therefore, it has been classified as a Variant of Uncertain Significance. Algorithms developed to predict the effect of missense changes on protein structure and function output the following: SIFT: "Tolerated"; PolyPhen-2: "Benign"; Align-GVGD: "Class C0". The glycine amino acid residue is found in multiple mammalian species, suggesting that this missense change does not adversely affect protein function. These predictions have not been confirmed by published functional studies and their clinical significance is uncertain. This variant is not present in population databases (ExAC no frequency). This sequence change replaces aspartic acid with glycine at codon 3923 of the PKHD1 protein (p.Asp3923Gly). The aspartic acid residue is weakly conserved and there is a moderate physicochemical difference between aspartic acid and glycine.

Natera, Inc.
Classification: Uncertain significance for Autosomal recessive polycystic kidney disease. Last evaluated: 2020-09-16. Review status: no assertion criteria provided. Collection method: clinical testing. Allele origin: germline. Not counted in ClinVar's aggregate classification.

NM_138694.4(PKHD1):c.11768A>G (p.Asp3923Gly)

Gene: PKHD1 (PKHD1 ciliary IPT domain containing fibrocystin/polyductin; minus strand). Cytogenetic location: 6p12.3.
Variant type: single nucleotide variant.
Coding change: c.11768A>G on transcript NM_138694.4 (MANE Select); coding-DNA position 11768, A replaced by G.
Protein change: p.Asp3923Gly; replaces aspartic acid 3923 with glycine.
Molecular consequence: missense variant.
Genome position (GRCh38, 1-based): chr6:51,627,014, T>C on the plus strand (A>G on the coding strand, the complement: PKHD1 is on the minus strand). VCF-style: chr6-51627014-T-C. GRCh37 (hg19) VCF-style: chr6-51491812-T-C.
Other names: short protein forms D3923G.
Identifiers: ClinVar variation 573706 (VCV000573706.11), dbSNP rs1561981487, ClinGen allele CA364418391.